The following is an entry in ClinVar:

NM_152594.3(SPRED1):c.851A>C (p.Lys284Thr)

Gene: SPRED1 (sprouty related EVH1 domain containing 1; plus strand). Cytogenetic location: 15q14.
Variant type: single nucleotide variant.
Coding change: c.851A>C on transcript NM_152594.3 (MANE Select); coding-DNA position 851, A replaced by C.
Protein change: p.Lys284Thr; replaces lysine 284 with threonine.
Molecular consequence: missense variant.
Genome position (GRCh38, 1-based): chr15:38,351,180, A>C. VCF-style: chr15-38351180-A-C. GRCh37 (hg19) VCF-style: chr15-38643381-A-C.
Other names: short protein forms K284T.
Identifiers: ClinVar variation 3961384 (VCV003961384.1).

ClinVar aggregate classification (germline): Uncertain significance (1 of 4 stars; one submission).

Conditions:
Cardiovascular phenotype. Identifiers: MedGen CN230736.

Submission:

Ambry Genetics
Classification: Uncertain significance for Cardiovascular phenotype. Last evaluated: 2025-04-22. Review status: criteria provided, single submitter. Criteria: Ambry Variant Classification Scheme 2023. Collection method: clinical testing. Allele origin: germline.
Comment: The p.K284T variant (also known as c.851A>C), located in coding exon 7 of the SPRED1 gene, results from an A to C substitution at nucleotide position 851. The lysine at codon 284 is replaced by threonine, an amino acid with similar properties. This amino acid position is conserved. In addition, the in silico prediction for this alteration is inconclusive. Based on the available evidence, the clinical significance of this variant remains unclear.